The following is an entry in ClinVar:

NM_001206927.2(DNAH8):c.6962_6968del (p.His2321fs)

Gene: DNAH8 (dynein axonemal heavy chain 8; plus strand). Cytogenetic location: 6p21.2.
Variant type: Deletion.
Coding change: c.6962_6968del on transcript NM_001206927.2 (MANE Select); coding-DNA positions 6962 to 6968, 7 bases deleted (ATCCACC; older notation c.6962_6968delATCCACC).
Protein change: p.His2321fs; shifts the reading frame from histidine 2321.
Molecular consequence: frameshift variant.
Genome position (GRCh38, 1-based): chr6:38,870,534-38,870,540, ATCCACC deleted; deleting any 7 consecutive bases within chr6:38,870,531-38,870,540 gives the same sequence; the c. name uses the placement nearest the transcript's 3' end. VCF-style (leftmost placement, unchanged base first): chr6-38870530-AACCATCC-A. GRCh37 (hg19) VCF-style: chr6-38838306-AACCATCC-A.
Other names: c.6311_6317del, p.His2104fs (NM_001371.4); short protein forms H2104fs, H2321fs.
Identifiers: ClinVar variation 984742 (VCV000984742.5), dbSNP rs752692263, ClinGen allele CA3789792.

ClinVar aggregate classification (germline): Pathogenic/Likely pathogenic. Review status: criteria provided, multiple submitters, no conflicts (2 of 4 stars). 3 submissions from 3 submitters: Pathogenic (1); Likely pathogenic (1). 1 of the submissions does not count toward it. Last evaluated 2024-08-06.

Conditions:
Primary ciliary dyskinesia. Also called: Ciliary dyskinesia. Identifiers: Orphanet 244, MedGen C0008780, MONDO:0016575, HP:0012265.
DNAH8-related disorders.
Spermatogenic failure 46. Identifiers: MedGen C5436799, MONDO:0033673, OMIM 619095.

Submissions (3):

Blueprint Genetics
Classification: Likely pathogenic for DNAH8-related disorders. Last evaluated: 2024-08-06. Review status: criteria provided, single submitter. Criteria: ACMG Guidelines, 2015. Collection method: clinical testing. Allele origin: germline. Affected: yes. Observed: 3 variant alleles.

Labcorp Genetics (formerly Invitae), Labcorp
Classification: Pathogenic for Primary ciliary dyskinesia. Last evaluated: 2023-06-06. Review status: criteria provided, single submitter. Criteria: Invitae Variant Classification Sherloc (09022015). Collection method: clinical testing. Allele origin: germline.
Comment: This sequence change creates a premature translational stop signal (p.His2321Profs*4) in the DNAH8 gene. It is expected to result in an absent or disrupted protein product. Loss-of-function variants in DNAH8 are known to be pathogenic (PMID: 24307375, 32619401, 32681648). This variant is present in population databases (rs752692263, gnomAD 0.02%). This premature translational stop signal has been observed in individual(s) with DNAH8-related conditions (PMID: 32619401). ClinVar contains an entry for this variant (Variation ID: 984742). For these reasons, this variant has been classified as Pathogenic.

OMIM
Classification: Pathogenic for SPERMATOGENIC FAILURE 46. Last evaluated: 2020-11-13. Review status: no assertion criteria provided. Collection method: literature only. Allele origin: germline. Not counted in ClinVar's aggregate classification.

Literature cited by the submitters: PubMed 24307375 (cited by Labcorp Genetics (formerly Invitae), Labcorp); PubMed 32619401 (cited by Labcorp Genetics (formerly Invitae), Labcorp and OMIM); PubMed 32681648 (cited by Labcorp Genetics (formerly Invitae), Labcorp).